The following is an entry in ClinVar:

ClinVar aggregate classification (germline): Uncertain significance (1 of 4 stars; one submission).

Allele frequency attached by ClinVar (database versions not stated): TOPMed below 0.00001; gnomAD 0.00001.
gnomAD v4.1: 7 of 1,613,734 alleles (0.00043%); highest among the groups gnomAD compares: African/African-American, 0.0013%; no homozygotes.

Submission:

GeneDx
Classification: Uncertain significance. Last evaluated: 2019-12-17. Review status: criteria provided, single submitter. Criteria: GeneDx Variant Classification Process June 2021. Collection method: clinical testing. Allele origin: germline. Affected: yes.
Comment: Not observed in large population cohorts (Lek et al., 2016); In silico analysis, which includes protein predictors and evolutionary conservation, supports a deleterious effect; Has not been previously published as pathogenic or benign to our knowledge

NM_000254.3(MTR):c.461C>T (p.Ser154Phe)

Gene: MTR (5-methyltetrahydrofolate-homocysteine methyltransferase; plus strand). Cytogenetic location: 1q43.
Variant type: single nucleotide variant.
Coding change: c.461C>T on transcript NM_000254.3 (MANE Select); coding-DNA position 461, C replaced by T.
Protein change: p.Ser154Phe; replaces serine 154 with phenylalanine.
Molecular consequence: missense variant. On other transcripts: 5 prime UTR variant (1).
Genome position (GRCh38, 1-based): chr1:236,810,554, C>T. VCF-style: chr1-236810554-C-T. GRCh37 (hg19) VCF-style: chr1-236973854-C-T.
Other names: c.461C>T, p.Ser154Phe (NM_001291939.1); c.-648C>T (NM_001291940.2); short protein forms S154F.
Identifiers: ClinVar variation 1202280 (VCV001202280.3), dbSNP rs1311934439, ClinGen allele CA345383062.